The following is an entry in ClinVar:

NM_000465.4(BARD1):c.971A>C (p.His324Pro)

Gene: BARD1 (BRCA1 associated RING domain 1; minus strand). Cytogenetic location: 2q35.
Variant type: single nucleotide variant.
Coding change: c.971A>C on transcript NM_000465.4 (MANE Select); coding-DNA position 971, A replaced by C.
Protein change: p.His324Pro; replaces histidine 324 with proline.
Molecular consequence: missense variant. On other transcripts: non-coding transcript variant (2), intron variant (3).
Genome position (GRCh38, 1-based): chr2:214,780,903, T>G on the plus strand (A>C on the coding strand, the complement: BARD1 is on the minus strand). VCF-style: chr2-214780903-T-G. GRCh37 (hg19) VCF-style: chr2-215645627-T-G.
Other names: c.914A>C, p.His305Pro (NM_001282543.2); c.159-28348A>C (NM_001282548.2); c.215+16158A>C (NM_001282545.2); c.364+11394A>C (NM_001282549.2); short protein forms H324P, H305P.
Identifiers: ClinVar variation 823435 (VCV000823435.8), dbSNP rs1445844416, ClinGen allele CA350454644.

ClinVar aggregate classification (germline): Uncertain significance. Review status: criteria provided, multiple submitters, no conflicts (2 of 4 stars). 2 submissions from 2 submitters: Uncertain significance (2). Last evaluated 2025-08-29.

Conditions:
Hereditary cancer-predisposing syndrome. Also called: Tumor predisposition; Hereditary Cancer Syndrome; Neoplastic Syndromes, Hereditary; Hereditary neoplastic syndrome. Identifiers: Orphanet 140162, MedGen C0027672, MeSH D009386, MONDO:0015356.
Familial cancer of breast. Also called: BREAST CANCER, FAMILIAL; Hereditary breast cancer; hereditary breast carcinoma. Identifiers: Orphanet 227535, MedGen C0346153, MONDO:0016419, OMIM 114480. Disease mechanism: loss of function.

gnomAD v4.1: 1 of 1,614,126 alleles (0.000062%); highest among the groups gnomAD compares: Admixed American, 0.0017%; no homozygotes.

Submissions (2):

Labcorp Genetics (formerly Invitae), Labcorp
Classification: Uncertain significance for Familial cancer of breast. Last evaluated: 2025-08-29. Review status: criteria provided, single submitter. Criteria: Invitae Variant Classification Sherloc (09022015). Collection method: clinical testing. Allele origin: germline.
Comment: This sequence change replaces histidine, which is basic and polar, with proline, which is neutral and non-polar, at codon 324 of the BARD1 protein (p.His324Pro). This variant is present in population databases (no rsID available, gnomAD 0.003%). This variant has not been reported in the literature in individuals affected with BARD1-related conditions. ClinVar contains an entry for this variant (Variation ID: 823435). An algorithm developed to predict the effect of missense changes on protein structure and function outputs the following: PolyPhen-2: "Benign". The proline amino acid residue is found in multiple mammalian species, which suggests that this missense change does not adversely affect protein function. In summary, the available evidence is currently insufficient to determine the role of this variant in disease. Therefore, it has been classified as a Variant of Uncertain Significance.

Ambry Genetics
Classification: Uncertain significance for Hereditary cancer-predisposing syndrome. Last evaluated: 2025-04-19. Review status: criteria provided, single submitter. Criteria: Ambry Variant Classification Scheme 2023. Collection method: clinical testing. Allele origin: germline.
Comment: The p.H324P variant (also known as c.971A>C), located in coding exon 4 of the BARD1 gene, results from an A to C substitution at nucleotide position 971. The histidine at codon 324 is replaced by proline, an amino acid with similar properties. This amino acid position is poorly conserved in available vertebrate species. In addition, this alteration is predicted to be tolerated by in silico analysis. Since supporting evidence is limited at this time, the clinical significance of this alteration remains unclear.